The following is an entry in ClinVar:

NM_001082486.2(ACD):c.1088C>G (p.Thr363Ser)

Gene: ACD (ACD shelterin complex subunit and telomerase recruitment factor; minus strand). Cytogenetic location: 16q22.1.
Variant type: single nucleotide variant.
Coding change: c.1088C>G on transcript NM_001082486.2 (MANE Select); coding-DNA position 1088, C replaced by G.
Protein change: p.Thr363Ser; replaces threonine 363 with serine.
Molecular consequence: missense variant.
Genome position (GRCh38, 1-based): chr16:67,658,104, G>C on the plus strand (C>G on the coding strand, the complement: ACD is on the minus strand). VCF-style: chr16-67658104-G-C. GRCh37 (hg19) VCF-style: chr16-67692007-G-C.
Other names: c.1079C>G, p.Thr360Ser (NM_022914.3); short protein forms T360S, T363S.
Identifiers: ClinVar variation 1434981 (VCV001434981.12), dbSNP rs996525402, ClinGen allele CA283217211.

ClinVar aggregate classification (germline): Uncertain significance. Review status: criteria provided, multiple submitters, no conflicts (2 of 4 stars). 2 submissions from 2 submitters: Uncertain significance (2). Last evaluated 2024-02-27.

Conditions:
Inborn genetic diseases. Identifiers: MedGen C0950123, MeSH D030342.
Dyskeratosis congenita, autosomal dominant 6 (DKCA6). Identifiers: Orphanet 3322, MedGen C4225284, MONDO:0014690, OMIM 616553.

Allele frequency attached by ClinVar (database versions not stated): gnomAD exomes below 0.00001; gnomAD 0.00001; TOPMed 0.00002.

Submissions (2):

Labcorp Genetics (formerly Invitae), Labcorp
Classification: Uncertain significance for Dyskeratosis congenita, autosomal dominant 6. Last evaluated: 2024-02-27. Review status: criteria provided, single submitter. Criteria: Invitae Variant Classification Sherloc (09022015). Collection method: clinical testing. Allele origin: germline.
Comment: This sequence change replaces threonine, which is neutral and polar, with serine, which is neutral and polar, at codon 449 of the ACD protein (p.Thr449Ser). This variant is not present in population databases (gnomAD no frequency). This variant has not been reported in the literature in individuals affected with ACD-related conditions. ClinVar contains an entry for this variant (Variation ID: 1434981). Advanced modeling of protein sequence and biophysical properties (such as structural, functional, and spatial information, amino acid conservation, physicochemical variation, residue mobility, and thermodynamic stability) performed at Invitae indicates that this missense variant is not expected to disrupt ACD protein function with a negative predictive value of 80%. In summary, the available evidence is currently insufficient to determine the role of this variant in disease. Therefore, it has been classified as a Variant of Uncertain Significance.

Ambry Genetics
Classification: Uncertain significance for Inborn genetic diseases. Last evaluated: 2023-08-02. Review status: criteria provided, single submitter. Criteria: Ambry Variant Classification Scheme 2023. Collection method: clinical testing. Allele origin: germline.
Comment: The p.T449S variant (also known as c.1346C>G), located in coding exon 10 of the ACD gene, results from a C to G substitution at nucleotide position 1346. The threonine at codon 449 is replaced by serine, an amino acid with similar properties. This amino acid position is conserved. In addition, this alteration is predicted to be tolerated by in silico analysis. Since supporting evidence is limited at this time, the clinical significance of this alteration remains unclear.